The following is an entry in ClinVar:

ClinVar aggregate classification (germline): Pathogenic (0 of 4 stars; one submission).

Conditions:
Fanconi anemia complementation group A (FANCA). Also called: Fanconi anemia, group A; FANCA-Related Fanconi Anemia. Identifiers: Orphanet 84, MedGen C3469521, MONDO:0009215, OMIM 227650.

Submission:

Leiden Open Variation Database
Classification: Pathogenic for Fanconi anemia complementation group A. Last evaluated: 2020-02-28. Review status: no assertion criteria provided. Collection method: curation. Allele origin: germline. Affected: yes.
Comment: Curator: Arleen D. Auerbach. Submitter to LOVD: Daniela Pilonetto.

NC_000016.10:g.(89762023_89764889)_(89784965_89791402)del

Gene: FANCA (FA complementation group A; minus strand). Cytogenetic location: 16q24.3.
Variant type: Deletion.
Identifiers: ClinVar variation 974119 (VCV000974119.1).